The following is an entry in ClinVar:

ClinVar aggregate classification (germline): Uncertain significance (1 of 4 stars; one submission).

Submission:

GeneDx
Classification: Uncertain significance. Last evaluated: 2022-01-13. Review status: criteria provided, single submitter. Criteria: GeneDx Variant Classification Process June 2021. Collection method: clinical testing. Allele origin: germline. Affected: yes.
Comment: Not observed at significant frequency in large population cohorts (gnomAD); In silico analysis supports that this missense variant does not alter protein structure/function; Has not been previously published as pathogenic or benign to our knowledge

NM_005445.4(SMC3):c.3085A>G (p.Ile1029Val)

Gene: SMC3 (structural maintenance of chromosomes 3; plus strand). Cytogenetic location: 10q25.2.
Variant type: single nucleotide variant.
Coding change: c.3085A>G on transcript NM_005445.4 (MANE Select); coding-DNA position 3085, A replaced by G.
Protein change: p.Ile1029Val; replaces isoleucine 1029 with valine.
Molecular consequence: missense variant.
Genome position (GRCh38, 1-based): chr10:110,602,158, A>G. VCF-style: chr10-110602158-A-G. GRCh37 (hg19) VCF-style: chr10-112361916-A-G.
Other names: short protein forms I1029V.
Identifiers: ClinVar variation 1697085 (VCV001697085.2), dbSNP rs2134753137, ClinGen allele CA378394422.